The following is an entry in ClinVar:

NM_005502.4(ABCA1):c.2611G>T (p.Asp871Tyr)

Gene: ABCA1 (ATP binding cassette subfamily A member 1; minus strand). Cytogenetic location: 9q31.1.
Variant type: single nucleotide variant.
Coding change: c.2611G>T on transcript NM_005502.4 (MANE Select); coding-DNA position 2611, G replaced by T.
Protein change: p.Asp871Tyr; replaces aspartic acid 871 with tyrosine.
Molecular consequence: missense variant.
Genome position (GRCh38, 1-based): chr9:104,824,510, C>A on the plus strand (G>T on the coding strand, the complement: ABCA1 is on the minus strand). VCF-style: chr9-104824510-C-A. GRCh37 (hg19) VCF-style: chr9-107586791-C-A.
Other names: short protein forms D871Y.
Identifiers: ClinVar variation 3257506 (VCV003257506.17).

ClinVar aggregate classification (germline): Uncertain significance (1 of 4 stars; one submission).

gnomAD v4.1: 2 of 1,614,136 alleles (0.00012%); highest among the groups gnomAD compares: Non-Finnish European, 0.00017%; no homozygotes.

Submission:

CeGaT Center for Human Genetics Tuebingen
Classification: Uncertain significance. Last evaluated: 2024-07-01. Review status: criteria provided, single submitter. Criteria: CeGaT Center For Human Genetics Tuebingen Variant Classification Criteria Version 2. Collection method: clinical testing. Allele origin: germline. Affected: yes. Observed: 1 variant allele.
Comment: ABCA1: PM2, PP2, BP4